The following is an entry in ClinVar:

ClinVar aggregate classification (germline): Benign. Review status: criteria provided, multiple submitters, no conflicts (2 of 4 stars). 5 submissions from 5 submitters: Benign (3). 2 of the submissions do not count toward it. Last evaluated 2023-04-11.

Conditions:
CTH-related disorder. Also called: CTH-related condition.
Cystathioninuria. Also called: CYSTATHIONASE DEFICIENCY. Identifiers: Orphanet 212, MedGen C0220993, MONDO:0009058, OMIM 219500, HP:0003153.
Homocysteine level elevated. Also called: Homocysteine, total plasma, elevated. Identifiers: MedGen C4551332.

Allele frequency attached by ClinVar (database versions not stated): gnomAD 0.23727 and 0.23572; TOPMed 0.24101; ExAC 0.27705; 1000 Genomes Project 0.20527; gnomAD exomes 0.28492; 1000 Genomes Project 30x 0.20597.
gnomAD v4.1: 450,391 of 1,608,522 alleles (28%); highest among the groups gnomAD compares: Admixed American, 40%; 66,116 homozygotes.

Submissions (5):

Genome-Nilou Lab
Classification: Benign for Cystathioninuria. Last evaluated: 2023-04-11. Review status: criteria provided, single submitter. Criteria: ACMG Guidelines, 2015. Collection method: clinical testing. Allele origin: germline. Affected: no.

Illumina Laboratory Services, Illumina
Classification: Benign for Cystathioninuria. Last evaluated: 2018-03-06. Review status: criteria provided, single submitter. Criteria: ICSL Variant Classification Criteria 13 December 2019. Collection method: clinical testing. Allele origin: germline.
Comment: This variant was observed in the ICSL laboratory as part of a predisposition screen in an ostensibly healthy population. It had not been previously curated by ICSL or reported in the Human Gene Mutation Database (HGMD: prior to June 1st, 2018), and was therefore a candidate for classification through an automated scoring system. Utilizing variant allele frequency, disease prevalence and penetrance estimates, and inheritance mode, an automated score was calculated to assess if this variant is too frequent to cause the disease. Based on the score and internal cut-off values, a variant classified as benign is not then subjected to further curation. The score for this variant resulted in a classification of benign for this disease.

Breakthrough Genomics
Classification: Benign. Review status: criteria provided, single submitter. Criteria: ACMG Guidelines, 2015. Collection method: not provided. Allele origin: germline. Inheritance: Autosomal recessive inheritance. Affected: yes.

OMIM
No classification provided. Condition: RECLASSIFIED - CTH POLYMORPHISM. Last evaluated: 2025-04-02. Review status: no classification provided. Collection method: literature only. Allele origin: germline. Not counted in ClinVar's aggregate classification.

PreventionGenetics, part of Exact Sciences
Classification: Likely benign for CTH-related condition. Last evaluated: 2020-08-25. Review status: no assertion criteria provided. Collection method: clinical testing. Allele origin: germline. Not counted in ClinVar's aggregate classification.
Comment: This variant is classified as likely benign based on ACMG/AMP sequence variant interpretation guidelines (Richards et al. 2015 PMID: 25741868, with internal and published modifications).

Literature cited by the submitters: PubMed 15151507 (cited by OMIM).

NM_001902.6(CTH):c.1208G>T (p.Ser403Ile)

Gene: CTH (cystathionine gamma-lyase; plus strand). Cytogenetic location: 1p31.1.
Variant type: single nucleotide variant.
Coding change: c.1208G>T on transcript NM_001902.6 (MANE Select); coding-DNA position 1208, G replaced by T.
Protein change: p.Ser403Ile; replaces serine 403 with isoleucine.
Molecular consequence: missense variant.
Genome position (GRCh38, 1-based): chr1:70,439,117, G>T. VCF-style: chr1-70439117-G-T. GRCh37 (hg19) VCF-style: chr1-70904800-G-T.
Other names: CTH, 1364G-T, SER403ILE; c.1112G>T, p.Ser371Ile (NM_001190463.2); c.1076G>T, p.Ser359Ile (NM_153742.5); short protein forms S403I, S359I, S371I.
Identifiers: ClinVar variation 2941 (VCV000002941.12), dbSNP rs1021737, ClinGen allele CA115891.
Genomic context (GRCh38, chr1:70,439,117, plus strand): 5'-CTATATGTTTAATAACATATTTTTCTTGTGCACTGTTATTATAGCACCCTCCAAGTGGAA[G>T]TCACAGCTAGTATTCCAGAGCTGCTATTAGAAGCTGCTTCCTGTGAAGATCAAATCTTCC-3'
Protein context (NP_001893.2, residues 393-405): ALKAAHPPSG[Ser403Ile]HS